The following is an entry in ClinVar:

ClinVar aggregate classification (germline): Uncertain significance (1 of 4 stars; one submission).

Conditions:
Autosomal dominant nonsyndromic hearing loss 65. Also called: Deafness, autosomal dominant 65; TBC1D24-Related Autosomal Dominant Nonsyndromic Hearing Loss (DFNA). Identifiers: Orphanet 90635, MedGen C3892048, MONDO:0014470, OMIM 616044.
Developmental and epileptic encephalopathy, 1 (DEE1). Also called: Epileptic encephalopathy, early infantile, 1; X-linked infantile spasms; West's syndrome; Tonic spasms with clustering, arrest of psychomotor development and hypsarrhythmia on EEG; X-Linked Infantile Spasm Syndrome; OHTAHARA SYNDROME, X-LINKED. Identifiers: MedGen C3463992, MONDO:0010632, OMIM 308350. Disease mechanism: loss of function.

Allele frequency attached by ClinVar (database versions not stated): gnomAD exomes 0.00001; TOPMed below 0.00001; ExAC 0.00001.
gnomAD v4.1: 3 of 1,613,714 alleles (0.00019%); highest among the groups gnomAD compares: East Asian, 0.0067%; no homozygotes.

Submission:

Labcorp Genetics (formerly Invitae), Labcorp
Classification: Uncertain significance for Developmental and epileptic encephalopathy, 1; Autosomal dominant nonsyndromic hearing loss 65. Last evaluated: 2026-02-03. Review status: criteria provided, single submitter. Criteria: Invitae Variant Classification Sherloc (09022015). Collection method: clinical testing. Allele origin: germline.
Comment: This sequence change replaces histidine, which is basic and polar, with leucine, which is neutral and non-polar, at codon 48 of the TBC1D24 protein (p.His48Leu). This variant is present in population databases (rs761844771, gnomAD 0.01%). This variant has not been reported in the literature in individuals affected with TBC1D24-related conditions. ClinVar contains an entry for this variant (Variation ID: 649293). Invitae Evidence Modeling of protein sequence and biophysical properties (such as structural, functional, and spatial information, amino acid conservation, physicochemical variation, residue mobility, and thermodynamic stability) has been performed for this missense variant. However, the output from this modeling did not meet the statistical confidence thresholds required to predict the impact of this variant on TBC1D24 protein function. In summary, the available evidence is currently insufficient to determine the role of this variant in disease. Therefore, it has been classified as a Variant of Uncertain Significance.

NM_001199107.2(TBC1D24):c.143A>T (p.His48Leu)

Gene: TBC1D24 (TBC1 domain family member 24; plus strand). Cytogenetic location: 16p13.3.
Variant type: single nucleotide variant.
Coding change: c.143A>T on transcript NM_001199107.2 (MANE Select); coding-DNA position 143, A replaced by T.
Protein change: p.His48Leu; replaces histidine 48 with leucine.
Molecular consequence: missense variant.
Genome position (GRCh38, 1-based): chr16:2,496,291, A>T. VCF-style: chr16-2496291-A-T. GRCh37 (hg19) VCF-style: chr16-2546292-A-T.
Other names: c.143A>T, p.His48Leu (NM_020705.3); short protein forms H48L.
Identifiers: ClinVar variation 649293 (VCV000649293.10), dbSNP rs761844771, ClinGen allele CA7843929.